The following is an entry in ClinVar:

NM_020207.7(ERCC6L2):c.1159A>C (p.Met387Leu)

Gene: ERCC6L2 (ERCC excision repair 6 like 2; plus strand). Cytogenetic location: 9q22.32.
Variant type: single nucleotide variant.
Coding change: c.1159A>C on transcript NM_020207.7 (MANE Select); coding-DNA position 1159, A replaced by C.
Protein change: p.Met387Leu; replaces methionine 387 with leucine.
Molecular consequence: missense variant. On other transcripts: non-coding transcript variant (1).
Genome position (GRCh38, 1-based): chr9:95,921,175, A>C. VCF-style: chr9-95921175-A-C. GRCh37 (hg19) VCF-style: chr9-98683457-A-C.
Other names: c.1159A>C, p.Met387Leu (NM_001010895.4, NM_001375291.1, NM_001375292.1 and 2 more transcripts); short protein forms M387L.
Identifiers: ClinVar variation 1465291 (VCV001465291.5), dbSNP rs768120288, ClinGen allele CA5139493.

ClinVar aggregate classification (germline): Uncertain significance (1 of 4 stars; one submission).

gnomAD v4.1: 26 of 1,604,760 alleles (0.0016%); highest among the groups gnomAD compares: Non-Finnish European, 0.00059%; no homozygotes.

Submission:

Labcorp Genetics (formerly Invitae), Labcorp
Classification: Uncertain significance. Last evaluated: 2024-10-25. Review status: criteria provided, single submitter. Criteria: Invitae Variant Classification Sherloc (09022015). Collection method: clinical testing. Allele origin: germline.
Comment: This sequence change replaces methionine, which is neutral and non-polar, with leucine, which is neutral and non-polar, at codon 398 of the ERCC6L2 protein (p.Met398Leu). This variant is present in population databases (rs768120288, gnomAD 0.02%). This variant has not been reported in the literature in individuals affected with ERCC6L2-related conditions. ClinVar contains an entry for this variant (Variation ID: 1465291). Experimental studies and prediction algorithms are not available or were not evaluated, and the functional significance of this variant is currently unknown. In summary, the available evidence is currently insufficient to determine the role of this variant in disease. Therefore, it has been classified as a Variant of Uncertain Significance.